The following is an entry in ClinVar:

ClinVar aggregate classification (germline): Uncertain significance (0 of 4 stars; one submission).

Conditions:
IFT74-related disorder. Also called: IFT74-Related Disorders; IFT74-related condition.

gnomAD v4.1: 28 of 1,613,240 alleles (0.0017%); highest among the groups gnomAD compares: South Asian, 0.0022%; no homozygotes.

Submission:

PreventionGenetics, part of Exact Sciences
Classification: Uncertain significance for IFT74-related condition. Last evaluated: 2024-09-13. Review status: no assertion criteria provided. Collection method: clinical testing. Allele origin: germline.
Comment: The IFT74 c.1153C>G variant is predicted to result in the amino acid substitution p.Arg385Gly. To our knowledge, this variant has not been reported in the literature. This variant is reported in 0.0033% of alleles in individuals of South Asian descent in gnomAD. At this time, the clinical significance of this variant is uncertain due to the absence of conclusive functional and genetic evidence.

NM_025103.4(IFT74):c.1153C>G (p.Arg385Gly)

Gene: IFT74 (intraflagellar transport 74; plus strand). Cytogenetic location: 9p21.2.
Variant type: single nucleotide variant.
Coding change: c.1153C>G on transcript NM_025103.4 (MANE Select); coding-DNA position 1153, C replaced by G.
Protein change: p.Arg385Gly; replaces arginine 385 with glycine.
Molecular consequence: missense variant.
Genome position (GRCh38, 1-based): chr9:27,047,318, C>G. VCF-style: chr9-27047318-C-G. GRCh37 (hg19) VCF-style: chr9-27047316-C-G.
Other names: c.1153C>G, p.Arg385Gly (NM_001099222.3, NM_001099223.3, NM_001349928.2); short protein forms R385G.
Identifiers: ClinVar variation 2628497 (VCV002628497.2), dbSNP rs200176242, ClinGen allele CA191347810.
Genomic context (GRCh38, chr9:27,047,318, plus strand): 5'-GTTTTCCAATTGTCAGCTTTTATTGAGACTTTTGAGGAAACAAAGAATCAGGAACTGAAA[C>G]GAAAGGCACAGATAGAAGCCAACATTGTTGCACTCTTGGAGCACTGCAGTCGAGTGAGTA-3'
Protein context (NP_079379.2, residues 375-395): FEETKNQELK[Arg385Gly]KAQIEANIVA